The following is an entry in ClinVar:

ClinVar aggregate classification (germline): Pathogenic/Likely pathogenic. Review status: criteria provided, multiple submitters, no conflicts (2 of 4 stars). 5 submissions from 5 submitters: Pathogenic (4); Likely pathogenic (1). Last evaluated 2025-04-13.

Conditions:
DICER1-related tumor predisposition. Also called: DICER1-related pleuropulmonary blastoma cancer predisposition syndrome; DICER1 syndrome. Identifiers: Orphanet 284343, MedGen C3839822, MONDO:0100216.
Hereditary cancer-predisposing syndrome. Also called: Hereditary neoplastic syndrome; Tumor predisposition; Neoplastic Syndromes, Hereditary; Hereditary Cancer Syndrome. Identifiers: Orphanet 140162, MedGen C0027672, MeSH D009386, MONDO:0015356.

Submissions (5):

Ambry Genetics
Classification: Pathogenic for Hereditary cancer-predisposing syndrome. Last evaluated: 2025-04-13. Review status: criteria provided, single submitter. Criteria: Ambry Variant Classification Scheme 2023. Collection method: clinical testing. Allele origin: germline.
Comment: The p.Y1225* pathogenic mutation (also known as c.3675C>G), located in coding exon 20 of the DICER1 gene, results from a C to G substitution at nucleotide position 3675. This changes the amino acid from a tyrosine to a stop codon within coding exon 20. This mutation has been reported in an individual with thyroid carcinoma (papillary, macrofollicular type) and a multinodular goiter (Khan NE et al. J. Clin. Endocrinol. Metab., 2017 05;102:1614-1622). In addition to the clinical data presented in the literature, this alteration is expected to result in loss of function by premature protein truncation or nonsense-mediated mRNA decay. As such, this alteration is interpreted as a disease-causing mutation.

Labcorp Genetics (formerly Invitae), Labcorp
Classification: Pathogenic for DICER1-related tumor predisposition. Last evaluated: 2024-10-21. Review status: criteria provided, single submitter. Criteria: Invitae Variant Classification Sherloc (09022015). Collection method: clinical testing. Allele origin: germline.
Comment: This sequence change creates a premature translational stop signal (p.Tyr1225*) in the DICER1 gene. It is expected to result in an absent or disrupted protein product. Loss-of-function variants in DICER1 are known to be pathogenic (PMID: 19556464, 21266384). This variant is not present in population databases (gnomAD no frequency). This premature translational stop signal has been observed in individual(s) with thyroid cancer (PMID: 28323992). ClinVar contains an entry for this variant (Variation ID: 429129). For these reasons, this variant has been classified as Pathogenic.

GeneDx
Classification: Likely pathogenic. Last evaluated: 2024-09-16. Review status: criteria provided, single submitter. Criteria: GeneDx Variant Classification Process June 2021. Collection method: clinical testing. Allele origin: germline. Affected: yes.
Comment: Nonsense variant predicted to result in protein truncation or nonsense mediated decay in a gene for which loss of function is a known mechanism of disease; Observed in an individual with multinodular goiter and thyroid carcinoma and co-observed with a DICER1 frameshift variant, phase and germline status unknown, in an individual with pineoblastoma (PMID: 28323992, 25022261); Not observed at significant frequency in large population cohorts (gnomAD); This variant is associated with the following publications: (PMID: 28323992, 25022261)

Institute for Genomic Medicine (IGM) Clinical Laboratory, Nationwide Children's Hospital
Classification: Pathogenic for DICER1-related tumor predisposition. Last evaluated: 2023-05-17. Review status: criteria provided, single submitter. Criteria: ACMG Guidelines, 2015. Collection method: clinical testing. Allele origin: germline.
Comment: This variant is predicted to result in loss of function through nonsense-mediated decay of the encoded transcript or premature truncation of the encoded protein in a gene in which loss of function is a known mechanism of disease (ACMG/AMP: PVS1; PMIDs:26925222, 21266384, 19556464, 31342592). This variant has been reported at an elevated frequency in affected individuals/in multiple affected individuals in the literature (ACMG/AMP: PS4_Supporting; PMID:28323992). This variant is absent from or present at an exceedingly low frequency in gnomAD, a large-scale control population database (ACMG/AMP: PM2).

Foulkes Cancer Genetics LDI, Lady Davis Institute for Medical Research
Classification: Pathogenic for Pleuropulmonary blastoma. Last evaluated: 2019-07-01. Review status: criteria provided, single submitter. Criteria: ACMG Guidelines, 2015. Collection method: curation. Allele origin: germline, unknown. Affected: yes. Observed: 2 variant alleles.
Comment: ACMG criteria met: PVS1, PM2, PP4

Literature cited by the submitters: PubMed 28323992 (cited by 4 submitters); PubMed 19556464 (cited by Labcorp Genetics (formerly Invitae), Labcorp and Institute for Genomic Medicine (IGM) Clinical Laboratory, Nationwide Children's Hospital); PubMed 21266384 (cited by Labcorp Genetics (formerly Invitae), Labcorp and Institute for Genomic Medicine (IGM) Clinical Laboratory, Nationwide Children's Hospital); PubMed 26925222 (cited by Institute for Genomic Medicine (IGM) Clinical Laboratory, Nationwide Children's Hospital); PubMed 31342592 (cited by Institute for Genomic Medicine (IGM) Clinical Laboratory, Nationwide Children's Hospital); PubMed 25022261 (cited by Foulkes Cancer Genetics LDI, Lady Davis Institute for Medical Research).

NM_177438.3(DICER1):c.3675C>G (p.Tyr1225Ter)

Gene: DICER1 (dicer 1, ribonuclease III; minus strand). Cytogenetic location: 14q32.13.
Variant type: single nucleotide variant.
Coding change: c.3675C>G on transcript NM_177438.3 (MANE Select); coding-DNA position 3675, C replaced by G.
Protein change: p.Tyr1225Ter; replaces tyrosine 1225 with a stop codon.
Molecular consequence: nonsense.
Genome position (GRCh38, 1-based): chr14:95,103,721, G>C on the plus strand (C>G on the coding strand, the complement: DICER1 is on the minus strand). VCF-style: chr14-95103721-G-C. GRCh37 (hg19) VCF-style: chr14-95570058-G-C.
Other names: c.3675C>G, p.Tyr1225Ter (NM_001195573.1, NM_001271282.3, NM_001291628.2 and 1 more transcripts); short protein forms Y1225*.
Identifiers: ClinVar variation 429129 (VCV000429129.17), dbSNP rs184830847, ClinGen allele CA390874404.